The following is an entry in ClinVar:

ClinVar aggregate classification (germline): Likely benign (0 of 4 stars; one submission).

Conditions:
PEX6-related disorder. Also called: PEX6-related condition; PEX6-related disorders.

Allele frequency attached by ClinVar (database versions not stated): ExAC 0.00002; gnomAD 0.00004; TOPMed 0.00005.

Submission:

PreventionGenetics, part of Exact Sciences
Classification: Likely benign for PEX6-related condition. Last evaluated: 2019-06-19. Review status: no assertion criteria provided. Collection method: clinical testing. Allele origin: germline.
Comment: This variant is classified as likely benign based on ACMG/AMP sequence variant interpretation guidelines (Richards et al. 2015 PMID: 25741868, with internal and published modifications).

NM_000287.4(PEX6):c.2095-21C>G

Gene: PEX6 (peroxisomal biogenesis factor 6; minus strand). Cytogenetic location: 6p21.1.
Variant type: single nucleotide variant.
Coding change: c.2095-21C>G on transcript NM_000287.4 (MANE Select); 21 bases into the intron before coding-DNA position 2095, C replaced by G.
Molecular consequence: intron variant.
Genome position (GRCh38, 1-based): chr6:42,966,468, G>C on the plus strand (C>G on the coding strand, the complement: PEX6 is on the minus strand). VCF-style: chr6-42966468-G-C. GRCh37 (hg19) VCF-style: chr6-42934206-G-C.
Other names: c.1831-21C>G (NM_001316313.2).
Identifiers: ClinVar variation 3033183 (VCV003033183.2), dbSNP rs778536427, ClinGen allele CA3811125.
Genomic context (GRCh38, chr6:42,966,468, plus strand): 5'-CCTGCAGCCCACCCACATCATGCCAGGACACTGAGGGGATCTAGGAGATGGAAAGTGCGT[G>C]GTTGGGATATGCTCTTGGAGGGGCTCCTGTCCCACCTCCAAGGACTTGGTCTCCACCTTG-3'